The following is an entry in ClinVar:

ClinVar aggregate classification (germline): Conflicting classifications of pathogenicity. Review status: criteria provided, conflicting classifications (1 of 4 stars). 2 submissions from 2 submitters: Likely pathogenic (1); Uncertain significance (1). Last evaluated 2025-06-23.

Conditions:
Multiple sulfatase deficiency (MSD). Also called: Multiple Sulfatase Deficiency Disease; Mucosulfatidosis; Sulfatidosis, Juvenile, Austin Type. Identifiers: Orphanet 585, MedGen C0268263, MONDO:0010088, OMIM 272200.

gnomAD v4.1: 3 of 1,614,178 alleles (0.00019%); highest among the groups gnomAD compares: East Asian, 0.0022%; no homozygotes.

Submissions (2):

Natera, Inc.
Classification: Likely pathogenic for Multiple sulfatase deficiency. Last evaluated: 2025-06-23. Review status: criteria provided, single submitter. Criteria: Natera Variant Classification Schema (03/2026). Collection method: clinical testing. Allele origin: germline.
Comment: The c.1091G>A variant in SUMF1 is a missense variant predicted to cause substitution of arginine to histidine at amino acid 364. This variant is rare in the general population with a frequency below the threshold expected for the associated phenotype(s). This variant has been observed in one or more individuals affected with the associated recessive disease, as either homozygous or compound heterozygous with a second variant (PMID: 37870986). Functional studies show that this variant may disrupt protein function (PMID: 32749716). Computational prediction algorithms indicate this variant is likely to affect gene or protein function. Given the available evidence, this variant is classified as Likely Pathogenic.

Labcorp Genetics (formerly Invitae), Labcorp
Classification: Uncertain significance for Multiple sulfatase deficiency. Last evaluated: 2021-08-30. Review status: criteria provided, single submitter. Criteria: Invitae Variant Classification Sherloc (09022015). Collection method: clinical testing. Allele origin: germline.
Comment: This sequence change replaces arginine with histidine at codon 364 of the SUMF1 protein (p.Arg364His). The arginine residue is highly conserved and there is a small physicochemical difference between arginine and histidine. This variant is not present in population databases (ExAC no frequency). This variant has not been reported in the literature in individuals affected with SUMF1-related conditions. Algorithms developed to predict the effect of missense changes on protein structure and function are either unavailable or do not agree on the potential impact of this missense change (SIFT: "Deleterious"; PolyPhen-2: "Probably Damaging"; Align-GVGD: "Class C0"). In summary, the available evidence is currently insufficient to determine the role of this variant in disease. Therefore, it has been classified as a Variant of Uncertain Significance.

Literature cited by the submitters: PubMed 37870986 (cited by Natera, Inc.); PubMed 32749716 (cited by Natera, Inc.).

NM_182760.4(SUMF1):c.1091G>A (p.Arg364His)

Gene: SUMF1 (sulfatase modifying factor 1; minus strand). Cytogenetic location: 3p26.1.
Variant type: single nucleotide variant.
Coding change: c.1091G>A on transcript NM_182760.4 (MANE Select); coding-DNA position 1091, G replaced by A.
Protein change: p.Arg364His; replaces arginine 364 with histidine.
Molecular consequence: missense variant.
Genome position (GRCh38, 1-based): chr3:4,362,178, C>T on the plus strand (G>A on the coding strand, the complement: SUMF1 is on the minus strand). VCF-style: chr3-4362178-C-T. GRCh37 (hg19) VCF-style: chr3-4403862-C-T.
Other names: c.1016G>A, p.Arg339His (NM_001164674.2); c.1031G>A, p.Arg344His (NM_001164675.2); short protein forms R344H, R339H, R364H.
Identifiers: ClinVar variation 969414 (VCV000969414.4), dbSNP rs1699785405, ClinGen allele CA351626315.